The following is an entry in ClinVar:

ClinVar aggregate classification (germline): Likely pathogenic (1 of 4 stars; one submission).

Conditions:
Glanzmann thrombasthenia 1 (GT1). Also called: BLEEDING DISORDER, PLATELET-TYPE, 2; GP IIb-IIIa COMPLEX DEFICIENCY; GLYCOPROTEIN COMPLEX IIb-IIIa DEFICIENCY; PLATELET FIBRINOGEN RECEPTOR DEFICIENCY. Identifiers: MedGen CN300358, MONDO:0031332, OMIM 273800.

Submission:

Neuberg Centre For Genomic Medicine, NCGM
Classification: Likely pathogenic for Glanzmann thrombasthenia 1. Review status: criteria provided, single submitter. Criteria: ACMG Guidelines, 2015. Collection method: clinical testing. Allele origin: germline. Inheritance: Autosomal recessive inheritance. Affected: yes.
Comment: The frameshift duplication p.L855Pfs*68 in ITGA2B (NM_000419.5) has not been reported previously as a pathogenic variant nor as a benign variant, to our knowledge. This variant is predicted to cause loss of normal protein function through protein truncation caused a frameshift mutation. The frame shifted sequence continues 68 residues until a stop codon is reached. The p.L855Pfs*68 variant is a loss of function variant in the gene ITGA2B, which is intolerant of Loss of Function variants. For these reasons, this variant has been classified as Likely Pathogenic.

NM_000419.5(ITGA2B):c.2561dup (p.Leu855fs)

Gene: ITGA2B (integrin subunit alpha 2b; minus strand). Cytogenetic location: 17q21.31.
Variant type: Duplication.
Coding change: c.2561dup on transcript NM_000419.5 (MANE Select); coding-DNA position 2561, one base duplicated (G; older notation c.2561dupG).
Protein change: p.Leu855fs; shifts the reading frame from leucine 855.
Molecular consequence: frameshift variant.
Genome position (GRCh38, 1-based): chr17:44,375,873, C duplicated on the plus strand (G on the coding strand, the reverse complement: ITGA2B is on the minus strand); the first of 6 consecutive C bases (chr17:44,375,873-44,375,878); duplicating any one gives the same sequence. VCF-style (leftmost placement, unchanged base first): chr17-44375872-G-GC. GRCh37 (hg19) VCF-style: chr17-42453240-G-GC.
Other names: short protein forms L855fs.
Identifiers: ClinVar variation 2584924 (VCV002584924.1), dbSNP rs1567898633, ClinGen allele CA626224557.